The following is an entry in ClinVar:

NC_000001.10:g.(97548027_97564044)_(97564189_97658624)del

Gene: DPYD (dihydropyrimidine dehydrogenase; minus strand). Cytogenetic location: 1p21.3.
Variant type: Deletion.
Identifiers: ClinVar variation 2501032 (VCV002501032.1).

ClinVar aggregate classification (germline): Uncertain significance (1 of 4 stars; one submission).

Submission:

Women's Health and Genetics/Laboratory Corporation of America, LabCorp
Classification: Uncertain significance. Last evaluated: 2023-03-29. Review status: criteria provided, single submitter. Criteria: LabCorp Variant Classification Summary - May 2015. Collection method: clinical testing. Allele origin: germline.
Comment: Variant summary: The variant identified by MLPA or other technology involves the deletion of exon 21 in the DPYD gene. A presumed nomenclature of c.(2622+1_2623-1)_(2766+1_2767-1)del has been designated for the purposes of this classification. Although exact breakpoints of this deletion are not known, it is expected to result in a large in-frame deletion change in the DPYD gene. The variant allele was found at a frequency of 4.6e-05 in 21694 control chromosomes. The available data on variant occurrences in the general population are insufficient to allow any conclusion about variant significance. To our knowledge, no occurrence of c.(2622+1_2623-1)_(2766+1_2767-1)del in individuals affected with Dihydropyrimidine Dehydrogenase Deficiency and no experimental evidence demonstrating its impact on protein function have been reported. No submitters have provided clinical-significance assessments for this variant to ClinVar after 2014. Based on the evidence outlined above, the variant was classified as uncertain significance.